The following is an entry in ClinVar:

ClinVar aggregate classification (germline): Uncertain significance (1 of 4 stars; one submission).

Conditions:
Angelman syndrome-like. Identifiers: MedGen CN128785.
Developmental and epileptic encephalopathy, 2 (DEE2). Also called: INFANTILE SPASM SYNDROME, X-LINKED 2; CDKL5 deficiency disorder. Identifiers: Orphanet 1934, Orphanet 3451, Orphanet 505652, MedGen C4750718, MONDO:0010396, OMIM 300672.

Submission:

Labcorp Genetics (formerly Invitae), Labcorp
Classification: Uncertain significance for Developmental and epileptic encephalopathy, 2; Angelman syndrome-like. Last evaluated: 2020-03-30. Review status: criteria provided, single submitter. Criteria: Invitae Variant Classification Sherloc (09022015). Collection method: clinical testing. Allele origin: germline.
Comment: In summary, the available evidence is currently insufficient to determine the role of this variant in disease. Therefore, it has been classified as a Variant of Uncertain Significance. Experimental studies and prediction algorithms are not available or were not evaluated, and the functional significance of this variant is currently unknown. This variant has been observed in one or more individuals who were not affected with CDKL5-related conditions (Invitae). This variant results in a copy number gain of the genomic region encompassing exon 20 of the CDKL5 gene. While the exact position of this variant cannot be determined from the data, sub-genic copy number gains are generally in tandem (PMID: 25640679). This variant is predicted to be in-frame, and likely preserves the integrity of the reading frame.

Literature cited by the submitters: PubMed 25640679.

NC_000023.10:g.(?_18668510)_(18668732_?)dup

Genes: CDKL5 (cyclin dependent kinase like 5; plus strand), RS1 (retinoschisin 1; minus strand). Cytogenetic location: Xp22.13.
Variant type: Duplication.
Identifiers: ClinVar variation 1007430 (VCV001007430.9).